The following is an entry in ClinVar:

NM_000091.5(COL4A3):c.235-20_235-16dup

Genes: COL4A3 (collagen type IV alpha 3 chain; plus strand), MFF-DT (MFF divergent transcript; minus strand). Cytogenetic location: 2q36.3.
Variant type: Duplication.
Coding change: c.235-20_235-16dup on transcript NM_000091.5 (MANE Select); 20 bases into the intron before coding-DNA position 235 through 16 bases into the intron before coding-DNA position 235, 5 bases duplicated (CTTTT; older notation c.235-20_235-16dupCTTTT).
Molecular consequence: intron variant.
Genome position (GRCh38, 1-based): chr2:227,244,300-227,244,304, CTTTT duplicated; duplicating any 5 consecutive bases within chr2:227,244,296-227,244,304 gives the same sequence; the c. name uses the placement nearest the transcript's 3' end. VCF-style (leftmost placement, unchanged base first): chr2-227244295-T-TTTTTC. GRCh37 (hg19) VCF-style: chr2-228109011-T-TTTTTC.
Other names: c.235-20_235-16dupCTTTT (NM_000091.5).
Identifiers: ClinVar variation 4847975 (VCV004847975.1).

ClinVar aggregate classification (germline): Benign (1 of 4 stars; one submission).

Submission:

Women's Health and Genetics/Laboratory Corporation of America, LabCorp
Classification: Benign. Last evaluated: 2026-02-09. Review status: criteria provided, single submitter. Criteria: LabCorp Variant Classification Summary - May 2015. Collection method: clinical testing. Allele origin: germline.
Comment: Variant summary: COL4A3 c.235-20_235-16dupCTTTT alters a nucleotide located at a position not widely known to affect splicing. Consensus agreement among computation tools predict no significant impact on normal splicing. However, these predictions have yet to be confirmed by functional studies. The variant allele was found at a frequency of 0.00031 in 249154 control chromosomes, predominantly at a frequency of 0.0025 within the South Asian subpopulation in the gnomAD database. The observed variant frequency within South Asian control individuals in the gnomAD database exceeds the estimated maximal expected allele frequency for disease-causing variants in COL4A3. To our knowledge, no occurrence of c.235-20_235-16dupCTTTT in individuals affected with COL4A3-related conditions and no experimental evidence demonstrating its impact on protein function have been reported. No submitters have cited clinical-significance assessments for this variant to ClinVar. Based on the evidence outlined above, the variant was classified as benign.